The following is an entry in ClinVar:

ClinVar aggregate classification (germline): Likely pathogenic (1 of 4 stars; one submission).

Conditions:
Autosomal recessive osteopetrosis 1. Also called: ALBERS-SCHONBERG DISEASE, AUTOSOMAL RECESSIVE; TCIRG1-Related Autosomal Recessive Osteopetrosis; TCIRG1-Related Osteopetrosis. Identifiers: Orphanet 667, MedGen C1850127, MONDO:0009815, OMIM 259700.

Submission:

Natera, Inc.
Classification: Likely pathogenic for Infantile malignant osteopetrosis. Last evaluated: 2025-07-02. Review status: criteria provided, single submitter. Criteria: Natera Variant Classification Schema (03/2026). Collection method: clinical testing. Allele origin: germline.
Comment: The c.2155del variant in TCIRG1 is a frameshift variant predicted to shift the reading frame beginning at codon 719 and leads to a stop codon 22 codons downstream. This variant is expected to result in nonsense mediated decay, truncation, or a dysfunctional protein product. This variant is rare in the general population with a frequency below the threshold expected for the associated phenotype(s). Given the available evidence, this variant is classified as Likely Pathogenic.

NM_006019.4(TCIRG1):c.2155del (p.His719fs)

Gene: TCIRG1 (T cell immune regulator 1, ATPase H+ transporting V0 subunit a3; plus strand). Cytogenetic location: 11q13.2.
Variant type: Deletion.
Coding change: c.2155del on transcript NM_006019.4 (MANE Select); coding-DNA position 2155, one base deleted (C; older notation c.2155delC).
Protein change: p.His719fs; shifts the reading frame from histidine 719.
Molecular consequence: frameshift variant.
Genome position (GRCh38, 1-based): chr11:68,050,173, C deleted; the last of 2 consecutive C bases (chr11:68,050,172-68,050,173); deleting either gives the same sequence. VCF-style (leftmost placement, unchanged base first): chr11-68050171-TC-T. GRCh37 (hg19) VCF-style: chr11-67817638-TC-T.
Other names: c.1261del, p.His421fs (NM_001351059.2); c.2155del, p.His719fs (NM_001440552.1, NM_001440553.1, NM_001440554.1 and 2 more transcripts); c.2113del, p.His705fs (NM_001440555.1, NM_001440556.1, NM_001440563.1); c.1942del, p.His648fs (NM_001440559.1, NM_001440560.1, NM_001440561.1 and 2 more transcripts); c.1900del, p.His634fs (NM_001440564.1); c.1855del, p.His619fs (NM_001440565.1); c.1693del, p.His565fs (NM_001440567.1); c.1687del, p.His563fs (NM_001440568.1); and 2 more; short protein forms H399fs, H421fs, H503fs, H563fs, H565fs, H619fs, H634fs, H648fs.
Identifiers: ClinVar variation 4815482 (VCV004815482.1).